The following is an entry in ClinVar:

NM_025009.5(CEP135):c.630A>T (p.Gln210His)

Gene: CEP135 (centrosomal protein 135; plus strand). Cytogenetic location: 4q12.
Variant type: single nucleotide variant.
Coding change: c.630A>T on transcript NM_025009.5 (MANE Select); coding-DNA position 630, A replaced by T.
Protein change: p.Gln210His; replaces glutamine 210 with histidine.
Molecular consequence: missense variant.
Genome position (GRCh38, 1-based): chr4:55,959,697, A>T. VCF-style: chr4-55959697-A-T. GRCh37 (hg19) VCF-style: chr4-56825863-A-T.
Other names: short protein forms Q210H.
Identifiers: ClinVar variation 2024739 (VCV002024739.4), dbSNP rs2476021907, ClinGen allele CA356971621.
Genomic context (GRCh38, chr4:55,959,697, plus strand): 5'-TTTCTTAACAAAAGTGTATTGGCATTAATTTAAAGTGCTTTTCAGGATTCAAGAACTTCA[A>T]CAGGAAGTCCACCAGCTACAAGAAAAGTTAGCAATGATGGAAAGTGGGGTGAGAGACTAT-3'
Protein context (NP_079285.2, residues 200-220): QVADNRIQEL[Gln210His]QEVHQLQEKL

ClinVar aggregate classification (germline): Uncertain significance (1 of 4 stars; one submission).

Submission:

Labcorp Genetics (formerly Invitae), Labcorp
Classification: Uncertain significance. Last evaluated: 2022-11-08. Review status: criteria provided, single submitter. Criteria: Invitae Variant Classification Sherloc (09022015). Collection method: clinical testing. Allele origin: germline.
Comment: This variant is not present in population databases (gnomAD no frequency). This sequence change replaces glutamine, which is neutral and polar, with histidine, which is basic and polar, at codon 210 of the CEP135 protein (p.Gln210His). This variant has not been reported in the literature in individuals affected with CEP135-related conditions. In summary, the available evidence is currently insufficient to determine the role of this variant in disease. Therefore, it has been classified as a Variant of Uncertain Significance. Algorithms developed to predict the effect of missense changes on protein structure and function are either unavailable or do not agree on the potential impact of this missense change (SIFT: "Deleterious"; PolyPhen-2: "Probably Damaging"; Align-GVGD: "Class C0").